The following is an entry in ClinVar:

ClinVar aggregate classification (germline): Uncertain significance (1 of 4 stars; one submission).

Conditions:
Cardiovascular phenotype. Identifiers: MedGen CN230736.

gnomAD v4.1: 1 of 1,613,316 alleles (0.000062%); highest among the groups gnomAD compares: Non-Finnish European, 0.000085%; no homozygotes.

Submission:

Ambry Genetics
Classification: Uncertain significance for Cardiovascular phenotype. Last evaluated: 2020-01-28. Review status: criteria provided, single submitter. Criteria: Ambry Variant Classification Scheme 2023. Collection method: clinical testing. Allele origin: germline.
Comment: The p.V18229A variant (also known as c.54686T>C), located in coding exon 153 of the TTN gene, results from a T to C substitution at nucleotide position 54686. The valine at codon 18229 is replaced by alanine, an amino acid with similar properties. This amino acid position is well conserved in available vertebrate species. In addition, this alteration is predicted to be tolerated by in silico analysis. Since supporting evidence is limited at this time, the clinical significance of this alteration remains unclear.

NM_001267550.2(TTN):c.81881T>C (p.Val27294Ala)

Genes: TTN (titin; minus strand), TTN-AS1 (TTN antisense RNA 1; plus strand). Cytogenetic location: 2q31.2.
Variant type: single nucleotide variant.
Coding change: c.81881T>C on transcript NM_001267550.2 (MANE Select); coding-DNA position 81881, T replaced by C.
Protein change: p.Val27294Ala; replaces valine 27294 with alanine.
Molecular consequence: missense variant.
Genome position (GRCh38, 1-based): chr2:178,564,251, A>G on the plus strand (T>C on the coding strand, the complement: TTN is on the minus strand). VCF-style: chr2-178564251-A-G. GRCh37 (hg19) VCF-style: chr2-179428978-A-G.
Other names: c.76958T>C, p.Val25653Ala (NM_001256850.1); c.54686T>C, p.Val18229Ala (NM_003319.4); c.74177T>C, p.Val24726Ala (NM_133378.4); c.55061T>C, p.Val18354Ala (NM_133432.3); c.55262T>C, p.Val18421Ala (NM_133437.4); short protein forms V18229A, V18421A, V27294A, V18354A, V24726A, V25653A.
Identifiers: ClinVar variation 1747698 (VCV001747698.2), dbSNP rs876658084, ClinGen allele CA349577063.